The following is an entry in ClinVar:

NM_000404.4(GLB1):c.1810C>G (p.Pro604Ala)

Gene: GLB1 (galactosidase beta 1; minus strand). Cytogenetic location: 3p22.3.
Variant type: single nucleotide variant.
Coding change: c.1810C>G on transcript NM_000404.4 (MANE Select); coding-DNA position 1810, C replaced by G.
Protein change: p.Pro604Ala; replaces proline 604 with alanine.
Molecular consequence: missense variant. On other transcripts: intron variant (1).
Genome position (GRCh38, 1-based): chr3:32,997,269, G>C on the plus strand (C>G on the coding strand, the complement: GLB1 is on the minus strand). VCF-style: chr3-32997269-G-C. GRCh37 (hg19) VCF-style: chr3-33038761-G-C.
Other names: c.1720C>G, p.Pro574Ala (NM_001079811.3); c.1417C>G, p.Pro473Ala (NM_001135602.3); c.1954C>G, p.Pro652Ala (NM_001317040.2); c.1734+16787C>G (NM_001393580.1); short protein forms P473A, P574A, P604A, P652A.
Identifiers: ClinVar variation 3750139 (VCV003750139.2).

ClinVar aggregate classification (germline): Uncertain significance (1 of 4 stars; one submission).

Conditions:
Mucopolysaccharidosis, MPS-IV-B (MPS4B). Also called: MORQUIO SYNDROME B; Mucopolysaccharidosis type IV B; Mucopolysaccharidosis Type IVB; Mucopolysaccharidosis type 4B; Mucopolysaccharidosis Type IVB (Morquio B Disease); Mucopolysaccharidosis type IVB (Morquio). Identifiers: Orphanet 309310, Orphanet 582, MedGen C0086652, MONDO:0009660, OMIM 253010.
GM1 gangliosidosis. Identifiers: Orphanet 354, MedGen C0085131, MONDO:0018149.

Submission:

Labcorp Genetics (formerly Invitae), Labcorp
Classification: Uncertain significance for Mucopolysaccharidosis, MPS-IV-B; GM1 gangliosidosis. Last evaluated: 2025-11-10. Review status: criteria provided, single submitter. Criteria: Invitae Variant Classification Sherloc (09022015). Collection method: clinical testing. Allele origin: germline.
Comment: This sequence change replaces proline, which is neutral and non-polar, with alanine, which is neutral and non-polar, at codon 604 of the GLB1 protein (p.Pro604Ala). This variant is not present in population databases (gnomAD no frequency). This variant has not been reported in the literature in individuals affected with GLB1-related conditions. ClinVar contains an entry for this variant (Variation ID: 3750139). Invitae Evidence Modeling of protein sequence and biophysical properties (such as structural, functional, and spatial information, amino acid conservation, physicochemical variation, residue mobility, and thermodynamic stability) indicates that this missense variant is expected to disrupt GLB1 protein function with a positive predictive value of 95%. In summary, the available evidence is currently insufficient to determine the role of this variant in disease. Therefore, it has been classified as a Variant of Uncertain Significance.